The following is an entry in ClinVar:

NC_000021.8:g.(?_47407504)_(47421320_?)dup

Gene: COL6A1 (collagen type VI alpha 1 chain; plus strand). Cytogenetic location: 21q22.3.
Variant type: Duplication.
Identifiers: ClinVar variation 3248165 (VCV003248165.1).

ClinVar aggregate classification (germline): Uncertain significance (1 of 4 stars; one submission).

Conditions:
Bethlem myopathy 1A. Also called: MYOPATHY, BENIGN CONGENITAL, WITH CONTRACTURES; Bethlem myopathy 1; Bethlem Muscular Dystrophy. Identifiers: Orphanet 610, MedGen CN029274, MONDO:0024530, OMIM 158810.

Submission:

Labcorp Genetics (formerly Invitae), Labcorp
Classification: Uncertain significance for Bethlem myopathy 1A. Last evaluated: 2023-12-26. Review status: criteria provided, single submitter. Criteria: Invitae Variant Classification Sherloc (09022015). Collection method: clinical testing. Allele origin: unknown.
Comment: This variant results in a copy number gain of the genomic region encompassing exon(s) 8-30 of the COL6A1 gene. While the exact position of this variant cannot be determined from the data, sub-genic copy number gains are generally in tandem (PMID: 25640679). This variant is predicted to be in-frame, and likely preserves the integrity of the reading frame. This variant has not been reported in the literature in individuals affected with COL6A1-related conditions. In summary, the available evidence is currently insufficient to determine the role of this variant in disease. Therefore, it has been classified as a Variant of Uncertain Significance.

Literature cited by the submitters: PubMed 25640679.